The following is an entry in ClinVar:

NM_001292063.2(OTOG):c.3006+1G>A

Gene: OTOG (otogelin; plus strand). Cytogenetic location: 11p15.1.
Variant type: single nucleotide variant.
Coding change: c.3006+1G>A on transcript NM_001292063.2 (MANE Select); the canonical splice donor site of the intron after coding-DNA position 3006, G replaced by A.
Molecular consequence: splice donor variant.
Genome position (GRCh38, 1-based): chr11:17,591,589, G>A. VCF-style: chr11-17591589-G-A. GRCh37 (hg19) VCF-style: chr11-17613136-G-A.
Other names: c.3042+1G>A (NM_001277269.2).
Identifiers: ClinVar variation 3252490 (VCV003252490.2), dbSNP rs769882405.

ClinVar aggregate classification (germline): Likely pathogenic (1 of 4 stars; one submission).

Allele frequency attached by ClinVar (database versions not stated): ExAC 0.00006; gnomAD 0.00003; TOPMed 0.00005; gnomAD exomes below 0.00001.
gnomAD v4.1: 10 of 1,550,406 alleles (0.00064%); highest among the groups gnomAD compares: African/African-American, 0.011%; no homozygotes.

Submission:

GeneDx
Classification: Likely pathogenic. Last evaluated: 2025-09-15. Review status: criteria provided, single submitter. Criteria: GeneDx Variant Classification Process June 2021. Collection method: clinical testing. Allele origin: germline.
Comment: Canonical splice site variant predicted to result in a null allele in a gene for which loss of function is a known mechanism of disease; Has not been previously published as pathogenic or benign to our knowledge